The following is an entry in ClinVar:

NM_001033855.3(DCLRE1C):c.1672G>A (p.Val558Ile)

Gene: DCLRE1C (DNA cross-link repair 1C; minus strand). Cytogenetic location: 10p13.
Variant type: single nucleotide variant.
Coding change: c.1672G>A on transcript NM_001033855.3 (MANE Select); coding-DNA position 1672, G replaced by A.
Protein change: p.Val558Ile; replaces valine 558 with isoleucine.
Molecular consequence: missense variant. On other transcripts: non-coding transcript variant (4).
Genome position (GRCh38, 1-based): chr10:14,908,815, C>T on the plus strand (G>A on the coding strand, the complement: DCLRE1C is on the minus strand). VCF-style: chr10-14908815-C-T. GRCh37 (hg19) VCF-style: chr10-14950814-C-T.
Other names: c.1312G>A, p.Val438Ile (NM_001033857.3, NM_001033858.3, NM_001289077.2 and 2 more transcripts); c.1327G>A, p.Val443Ile (NM_001289076.2, NM_001289078.2, NM_001350966.2 and 1 more transcripts); c.1672G>A, p.Val558Ile (NM_001350965.2); short protein forms V438I, V443I, V558I.
Identifiers: ClinVar variation 1508090 (VCV001508090.3), dbSNP rs1834759314, ClinGen allele CA376075072.

ClinVar aggregate classification (germline): Uncertain significance (1 of 4 stars; one submission).

Conditions:
Severe combined immunodeficiency due to DCLRE1C deficiency (RS-SCID). Also called: SCID, AUTOSOMAL RECESSIVE, T CELL-NEGATIVE, B CELL-NEGATIVE, NK CELL-POSITIVE, WITH SENSITIVITY TO IONIZING RADIATION. Identifiers: Orphanet 275, MedGen C1865371, MONDO:0011225, OMIM 602450.

Allele frequency attached by ClinVar (database versions not stated): gnomAD exomes 0.00001; gnomAD 0.00001; TOPMed below 0.00001.
gnomAD v4.1: 11 of 1,614,090 alleles (0.00068%); highest among the groups gnomAD compares: African/African-American, 0.0013%; no homozygotes.

Submission:

Labcorp Genetics (formerly Invitae), Labcorp
Classification: Uncertain significance for Athabaskan severe combined immunodeficiency. Last evaluated: 2022-08-19. Review status: criteria provided, single submitter. Criteria: Invitae Variant Classification Sherloc (09022015). Collection method: clinical testing. Allele origin: germline.
Comment: This sequence change replaces valine, which is neutral and non-polar, with isoleucine, which is neutral and non-polar, at codon 558 of the DCLRE1C protein (p.Val558Ile). This variant is not present in population databases (gnomAD no frequency). This variant has not been reported in the literature in individuals affected with DCLRE1C-related conditions. ClinVar contains an entry for this variant (Variation ID: 1508090). Algorithms developed to predict the effect of missense changes on protein structure and function output the following: SIFT: "Tolerated"; PolyPhen-2: "Benign"; Align-GVGD: "Class C0". The isoleucine amino acid residue is found in multiple mammalian species, which suggests that this missense change does not adversely affect protein function. In summary, the available evidence is currently insufficient to determine the role of this variant in disease. Therefore, it has been classified as a Variant of Uncertain Significance.